The following is an entry in ClinVar:

ClinVar aggregate classification (germline): Uncertain significance. Review status: criteria provided, single submitter (1 of 4 stars). 3 submissions from 3 submitters: Uncertain significance (1). 2 of the submissions do not count toward it. Last evaluated 2022-06-13.

Conditions:
Asphyxiating thoracic dystrophy 3. Also called: Short rib polydactyly syndrome 2B; POLYDACTYLY WITH NEONATAL CHONDRODYSTROPHY, TYPE I; SHORT-RIB THORACIC DYSPLASIA 3/6 WITH POLYDACTYLY, DIGENIC; Saldino-Noonan Syndrome; SHORT-RIB THORACIC DYSPLASIA 3 WITH OR WITHOUT POLYDACTYLY. Identifiers: Orphanet 474, Orphanet 93269, Orphanet 93270, Orphanet 93271, MedGen C0036069, MONDO:0013127, OMIM 613091.
Short-rib thoracic dysplasia 8 with or without polydactyly (SRTD8). Also called: SHORT-RIB THORACIC DYSPLASIA 8 WITH POLYDACTYLY. Identifiers: Orphanet 93271, MedGen C3809691, MONDO:0014214, OMIM 615503.

Allele frequency attached by ClinVar (database versions not stated): gnomAD 0.00001; gnomAD exomes 0.00001 and 0.00004; ExAC 0.00004; TOPMed 0.00005.

Submissions (3):

Labcorp Genetics (formerly Invitae), Labcorp
Classification: Uncertain significance for Short-rib thoracic dysplasia 8 with or without polydactyly. Last evaluated: 2022-06-13. Review status: criteria provided, single submitter. Criteria: Invitae Variant Classification Sherloc (09022015). Collection method: clinical testing. Allele origin: germline.
Comment: This sequence change creates a premature translational stop signal (p.Gln947Hisfs*89) in the WDR60 gene. While this is not anticipated to result in nonsense mediated decay, it is expected to disrupt the last 120 amino acid(s) of the WDR60 protein. This variant is present in population databases (rs748645101, gnomAD 0.03%). This premature translational stop signal has been observed in individual(s) with short-rib polydactyly syndrome (PMID: 29068549). ClinVar contains an entry for this variant (Variation ID: 446628). Experimental studies and prediction algorithms are not available or were not evaluated, and the functional significance of this variant is currently unknown. In summary, the available evidence is currently insufficient to determine the role of this variant in disease. Therefore, it has been classified as a Variant of Uncertain Significance.

Dan Cohn Lab, University Of California Los Angeles
Classification: Pathogenic for Asphyxiating thoracic dystrophy 3. Last evaluated: 2017-06-01. Review status: no assertion criteria provided. Collection method: research. Allele origin: unknown. Affected: yes. Not counted in ClinVar's aggregate classification.

University of Washington Center for Mendelian Genomics, University of Washington
Classification: Likely pathogenic for Asphyxiating thoracic dystrophy 3. Review status: no assertion criteria provided. Collection method: research. Allele origin: inherited. Affected: yes. Not counted in ClinVar's aggregate classification.

Literature cited by the submitters: PubMed 29068549 (cited by 3 submitters).

NM_018051.5(DYNC2I1):c.2841del (p.Gln947fs)

Gene: DYNC2I1 (dynein 2 intermediate chain 1; plus strand). Cytogenetic location: 7q36.3.
Variant type: Deletion.
Coding change: c.2841del on transcript NM_018051.5 (MANE Select); coding-DNA position 2841, one base deleted (G; older notation c.2841delG).
Protein change: p.Gln947fs; shifts the reading frame from glutamine 947.
Molecular consequence: frameshift variant.
Genome position (GRCh38, 1-based): chr7:158,941,987, G deleted. VCF-style (leftmost placement, unchanged base first): chr7-158941986-AG-A. GRCh37 (hg19) VCF-style: chr7-158734677-AG-A.
Other names: c.2703del, p.Gln901fs (NM_001350914.2); c.2268del, p.Gln756fs (NM_001350915.2); c.1380del, p.Gln460fs (NM_001350916.2); c.1593del, p.Gln531fs (NM_001350917.2, NM_001350918.2); short protein forms Q756fs, Q947fs, Q460fs, Q901fs, Q531fs.
Identifiers: ClinVar variation 446628 (VCV000446628.8), dbSNP rs748645101, ClinGen allele CA4595120.
Genomic context (GRCh38, chr7:158,941,986, plus strand): 5'-CCGGCTGTTCGGACGGAAGCATCAGGCTGCACCAGCTGAGCTCCGCGTTTCCGCTCCTGC[AG>A]TGGGACAGCAGCACGGACAGCCATGCGGTCACCGGCCTGCAGTGGTCCCCAACCAGGCCT-3'